The following is an entry in ClinVar:

NM_002834.5(PTPN11):c.643-6G>A

Gene: PTPN11 (protein tyrosine phosphatase non-receptor type 11; plus strand). Cytogenetic location: 12q24.13.
Variant type: single nucleotide variant.
Coding change: c.643-6G>A on transcript NM_002834.5 (MANE Select); 6 bases into the intron before coding-DNA position 643, G replaced by A.
Molecular consequence: intron variant.
Genome position (GRCh38, 1-based): chr12:112,455,944, G>A. VCF-style: chr12-112455944-G-A. GRCh37 (hg19) VCF-style: chr12-112893748-G-A.
Other names: c.643-6G>A (NM_001330437.2, NM_080601.3); c.640-6G>A (NM_001374625.1).
Identifiers: ClinVar variation 931518 (VCV000931518.7), dbSNP rs780387568, ClinGen allele CA645580461.

ClinVar aggregate classification (germline): Conflicting classifications of pathogenicity. Review status: criteria provided, conflicting classifications (1 of 4 stars). 2 submissions from 2 submitters: Uncertain significance (1); Likely benign (1). Last evaluated 2024-02-18.

Conditions:
LEOPARD syndrome 1 (LPRD1). Also called: LENTIGINOSIS, CARDIOMYOPATHIC; MULTIPLE LENTIGINES SYNDROME; PTPN11-Related LEOPARD Syndrome. Identifiers: Orphanet 500, MedGen C4551484, MONDO:0100082, OMIM 151100.
RASopathy. Also called: rasopathies; Noonan spectrum disorder. Identifiers: Orphanet 536391, MedGen C5555857, MONDO:0021060.

Allele frequency attached by ClinVar (database versions not stated): gnomAD exomes below 0.00001.
gnomAD v4.1: 2 of 1,538,192 alleles (0.00013%); highest among the groups gnomAD compares: Non-Finnish European, 0.00018%; no homozygotes.

Submissions (2):

Labcorp Genetics (formerly Invitae), Labcorp
Classification: Likely benign for RASopathy. Last evaluated: 2024-02-18. Review status: criteria provided, single submitter. Criteria: Invitae Variant Classification Sherloc (09022015). Collection method: clinical testing. Allele origin: germline.

Centre for Mendelian Genomics, University Medical Centre Ljubljana
Classification: Uncertain significance for LEOPARD syndrome 1. Last evaluated: 2019-11-11. Review status: criteria provided, single submitter. Criteria: ACMG Guidelines, 2015. Collection method: clinical testing. Allele origin: unknown. Affected: yes.
Comment: This variant was classified as: Uncertain significance. The available evidence favors the benign nature of this variant, however the evidence is insufficent to prove its benign nature. The following ACMG criteria were applied in classifying this variant: BP4.